The following is an entry in ClinVar:

ClinVar aggregate classification (germline): Likely benign (1 of 4 stars; one submission).

Conditions:
Leigh syndrome (NULS). Also called: Leigh's necrotizing encephalopathy; Leigh's disease; Leigh Syndrome (mtDNA deletion); Leigh Disease; Subacute necrotizing encephalopathy; Necrotizing encephalopathy infantile subacute of Leigh. Identifiers: Orphanet 506, MedGen C2931891, MONDO:0009723, OMIM 256000.

Submission:

Wong Mito Lab, Molecular and Human Genetics, Baylor College of Medicine
Classification: Likely benign for Leigh syndrome. Last evaluated: 2019-10-17. Review status: criteria provided, single submitter. Criteria: Modified ACMG Guidelines (Unpublished). Collection method: clinical testing. Allele origin: germline.
Comment: The NC_012920.1:m.7191T>C (YP_003024028.1:p.Phe430Leu) variant in MTCO1 gene is interpretated to be a Likely Benign variant based on the modified ACMG guidelines (unpublished). This variant meets the following evidence codes: BS1, BP5

NC_012920.1(MT-CO1):m.7191T>C

Gene: MT-CO1 (mitochondrially encoded cytochrome c oxidase I; plus strand).
Variant type: single nucleotide variant.
Genome position: chrM-7191-T-C.
Identifiers: ClinVar variation 692716 (VCV000692716.3), dbSNP rs1603220824, ClinGen allele CA414791827.
Genomic context (GRCh38, chrMT:7,191, plus strand): 5'-GCCAAAATCCATTTCACTATCATATTCATCGGCGTAAATCTAACTTTCTTCCCACAACAC[T>C]TTCTCGGCCTATCCGGAATGCCCCGACGTTACTCGGACTACCCCGATGCATACACCACAT-3'